The following is an entry in ClinVar:

ClinVar aggregate classification (germline): Uncertain significance (1 of 4 stars; one submission).

Allele frequency attached by ClinVar (database versions not stated): gnomAD exomes 0.00001.
gnomAD v4.1: 3 of 1,463,612 alleles (0.0002%); highest among the groups gnomAD compares: Admixed American, 0.005%; no homozygotes.

Submission:

Labcorp Genetics (formerly Invitae), Labcorp
Classification: Uncertain significance. Last evaluated: 2023-05-13. Review status: criteria provided, single submitter. Criteria: Invitae Variant Classification Sherloc (09022015). Collection method: clinical testing. Allele origin: germline.
Comment: Advanced modeling of protein sequence and biophysical properties (such as structural, functional, and spatial information, amino acid conservation, physicochemical variation, residue mobility, and thermodynamic stability) performed at Invitae indicates that this missense variant is not expected to disrupt GRIN2D protein function. In summary, the available evidence is currently insufficient to determine the role of this variant in disease. Therefore, it has been classified as a Variant of Uncertain Significance. This variant has not been reported in the literature in individuals affected with GRIN2D-related conditions. This variant is present in population databases (no rsID available, gnomAD 0.008%). This sequence change replaces leucine, which is neutral and non-polar, with valine, which is neutral and non-polar, at codon 1287 of the GRIN2D protein (p.Leu1287Val).

NM_000836.4(GRIN2D):c.3859C>G (p.Leu1287Val)

Gene: GRIN2D (glutamate ionotropic receptor NMDA type subunit 2D; plus strand). Cytogenetic location: 19q13.33.
Variant type: single nucleotide variant.
Coding change: c.3859C>G on transcript NM_000836.4 (MANE Select); coding-DNA position 3859, C replaced by G.
Protein change: p.Leu1287Val; replaces leucine 1287 with valine.
Molecular consequence: missense variant.
Genome position (GRCh38, 1-based): chr19:48,443,785, C>G. VCF-style: chr19-48443785-C-G. GRCh37 (hg19) VCF-style: chr19-48947042-C-G.
Other names: short protein forms L1287V.
Identifiers: ClinVar variation 2995885 (VCV002995885.3), dbSNP rs1265726681, ClinGen allele CA406678653.